The following is an entry in ClinVar:

ClinVar aggregate classification (germline): Uncertain significance (1 of 4 stars; one submission).

Allele frequency attached by ClinVar (database versions not stated): gnomAD exomes below 0.00001.
gnomAD v4.1: 1 of 1,613,474 alleles (0.000062%); highest among the groups gnomAD compares: Admixed American, 0.0017%; no homozygotes.

Submission:

Labcorp Genetics (formerly Invitae), Labcorp
Classification: Uncertain significance. Last evaluated: 2022-07-27. Review status: criteria provided, single submitter. Criteria: Invitae Variant Classification Sherloc (09022015). Collection method: clinical testing. Allele origin: germline.
Comment: Algorithms developed to predict the effect of missense changes on protein structure and function output the following: SIFT: "Tolerated"; PolyPhen-2: "Benign"; Align-GVGD: "Class C0". The isoleucine amino acid residue is found in multiple mammalian species, which suggests that this missense change does not adversely affect protein function. In summary, the available evidence is currently insufficient to determine the role of this variant in disease. Therefore, it has been classified as a Variant of Uncertain Significance. This variant has not been reported in the literature in individuals affected with IFNAR1-related conditions. This variant is present in population databases (no rsID available, gnomAD 0.003%). This sequence change replaces leucine, which is neutral and non-polar, with isoleucine, which is neutral and non-polar, at codon 305 of the IFNAR1 protein (p.Leu305Ile).

NM_000629.3(IFNAR1):c.913C>A (p.Leu305Ile)

Gene: IFNAR1 (interferon alpha and beta receptor subunit 1; plus strand). Cytogenetic location: 21q22.11.
Variant type: single nucleotide variant.
Coding change: c.913C>A on transcript NM_000629.3 (MANE Select); coding-DNA position 913, C replaced by A.
Protein change: p.Leu305Ile; replaces leucine 305 with isoleucine.
Molecular consequence: missense variant.
Genome position (GRCh38, 1-based): chr21:33,349,215, C>A. VCF-style: chr21-33349215-C-A. GRCh37 (hg19) VCF-style: chr21-34721521-C-A.
Other names: c.451C>A, p.Leu151Ile (NM_001384502.1); c.913C>A, p.Leu305Ile (NM_001384503.1, NM_001384498.1, NM_001384499.1); c.706C>A, p.Leu236Ile (NM_001384504.1); c.151C>A, p.Leu51Ile (NM_001384500.1); c.898C>A, p.Leu300Ile (NM_001384501.1); short protein forms L300I, L151I, L236I, L305I, L51I.
Identifiers: ClinVar variation 1916866 (VCV001916866.5), dbSNP rs1204231390, ClinGen allele CA410108473.